The following is an entry in ClinVar:

NM_032043.3(BRIP1):c.112A>G (p.Ser38Gly)

Gene: BRIP1 (BRCA1 interacting DNA helicase 1; minus strand). Cytogenetic location: 17q23.2.
Variant type: single nucleotide variant.
Coding change: c.112A>G on transcript NM_032043.3 (MANE Select); coding-DNA position 112, A replaced by G.
Protein change: p.Ser38Gly; replaces serine 38 with glycine.
Molecular consequence: missense variant.
Genome position (GRCh38, 1-based): chr17:61,859,889, T>C on the plus strand (A>G on the coding strand, the complement: BRIP1 is on the minus strand). VCF-style: chr17-61859889-T-C. GRCh37 (hg19) VCF-style: chr17-59937250-T-C.
Other names: short protein forms S38G.
Identifiers: ClinVar variation 1361815 (VCV001361815.9), dbSNP rs2145852551, ClinGen allele CA400485849.
Genomic context (GRCh38, chr17:61,859,889, plus strand): 5'-AAAGTAAGGCTAAGCTTTTTCCACTTCCTGTGGGACTCTCCAACAAACAATGTTGCTTGC[T>C]GTTTAATCCTCTGAGAATCTATGAACACAGAAACCAATGAAAATAATAAACATATTAACT-3'
Protein context (NP_114432.2, residues 28-48): MMNSILRGLN[Ser38Gly]KQHCLLESPT

ClinVar aggregate classification (germline): Uncertain significance (1 of 4 stars; one submission).

Conditions:
Familial cancer of breast. Also called: BREAST CANCER, FAMILIAL; hereditary breast carcinoma; Hereditary breast cancer. Identifiers: Orphanet 227535, MedGen C0346153, MONDO:0016419, OMIM 114480. Disease mechanism: loss of function.
Fanconi anemia complementation group J. Also called: BRIP1-Related Fanconi Anemia. Identifiers: Orphanet 84, MedGen C1836860, MONDO:0012187, OMIM 609054.

Submission:

Labcorp Genetics (formerly Invitae), Labcorp
Classification: Uncertain significance for Familial cancer of breast; Fanconi anemia complementation group J. Last evaluated: 2022-09-20. Review status: criteria provided, single submitter. Criteria: Invitae Variant Classification Sherloc (09022015). Collection method: clinical testing. Allele origin: germline.
Comment: In summary, the available evidence is currently insufficient to determine the role of this variant in disease. Therefore, it has been classified as a Variant of Uncertain Significance. Advanced modeling of protein sequence and biophysical properties (such as structural, functional, and spatial information, amino acid conservation, physicochemical variation, residue mobility, and thermodynamic stability) performed at Invitae indicates that this missense variant is not expected to disrupt BRIP1 protein function. ClinVar contains an entry for this variant (Variation ID: 1361815). This variant has not been reported in the literature in individuals affected with BRIP1-related conditions. This variant is not present in population databases (gnomAD no frequency). This sequence change replaces serine, which is neutral and polar, with glycine, which is neutral and non-polar, at codon 38 of the BRIP1 protein (p.Ser38Gly).